The following is an entry in ClinVar:

NM_022356.4(P3H1):c.618+127C>T

Gene: P3H1 (prolyl 3-hydroxylase 1; minus strand). Cytogenetic location: 1p34.2.
Variant type: single nucleotide variant.
Coding change: c.618+127C>T on transcript NM_022356.4 (MANE Select); 127 bases into the intron after coding-DNA position 618, C replaced by T.
Molecular consequence: intron variant.
Genome position (GRCh38, 1-based): chr1:42,762,196, G>A on the plus strand (C>T on the coding strand, the complement: P3H1 is on the minus strand). VCF-style: chr1-42762196-G-A. GRCh37 (hg19) VCF-style: chr1-43227867-G-A.
Other names: c.618+127C>T (NM_001146289.2, NM_001243246.2).
Identifiers: ClinVar variation 667661 (VCV000667661.2), dbSNP rs2760070, ClinGen allele CA10805888.

ClinVar aggregate classification (germline): Benign. Review status: criteria provided, multiple submitters, no conflicts (2 of 4 stars). 2 submissions from 2 submitters: Benign (2). Last evaluated 2018-06-19.

Allele frequency attached by ClinVar (database versions not stated): gnomAD 0.69640 and 0.70033; TOPMed 0.69901; 1000 Genomes Project 30x 0.71565; 1000 Genomes Project 0.71745; gnomAD exomes 0.72145.
gnomAD v4.1: 672,524 of 936,910 alleles (72%); highest among the groups gnomAD compares: South Asian, 84%; 242,503 homozygotes.

Submissions (2):

GeneDx
Classification: Benign. Last evaluated: 2018-06-19. Review status: criteria provided, single submitter. Criteria: GeneDx Variant Classification (06012015). Collection method: clinical testing. Allele origin: germline. Affected: yes.
Comment: This variant is considered likely benign or benign based on one or more of the following criteria: it is a conservative change, it occurs at a poorly conserved position in the protein, it is predicted to be benign by multiple in silico algorithms, and/or has population frequency not consistent with disease.

Breakthrough Genomics
Classification: Benign. Review status: criteria provided, single submitter. Criteria: ACMG Guidelines, 2015. Collection method: not provided. Allele origin: germline. Inheritance: Autosomal recessive inheritance. Affected: yes.